The following is an entry in ClinVar:

NM_005573.4(LMNB1):c.1279A>C (p.Ser427Arg)

Gene: LMNB1 (lamin B1; plus strand). Cytogenetic location: 5q23.2.
Variant type: single nucleotide variant.
Coding change: c.1279A>C on transcript NM_005573.4 (MANE Select); coding-DNA position 1279, A replaced by C.
Protein change: p.Ser427Arg; replaces serine 427 with arginine.
Molecular consequence: missense variant. On other transcripts: non-coding transcript variant (2).
Genome position (GRCh38, 1-based): chr5:126,821,028, A>C. VCF-style: chr5-126821028-A-C. GRCh37 (hg19) VCF-style: chr5-126156720-A-C.
Other names: c.649A>C, p.Ser217Arg (NM_001198557.2); short protein forms S217R, S427R.
Identifiers: ClinVar variation 3363365 (VCV003363365.2).

ClinVar aggregate classification (germline): Uncertain significance (1 of 4 stars; one submission).

Submission:

GeneDx
Classification: Uncertain significance. Last evaluated: 2025-12-09. Review status: criteria provided, single submitter. Criteria: GeneDx Variant Classification Process June 2021. Collection method: clinical testing. Allele origin: germline.
Comment: Not observed at significant frequency in large population cohorts (gnomAD); In silico analysis supports that this missense variant has a deleterious effect on protein structure/function; Has not been previously published as pathogenic or benign to our knowledge